The following is an entry in ClinVar:

ClinVar aggregate classification (germline): Uncertain significance (1 of 4 stars; one submission).

Allele frequency attached by ClinVar (database versions not stated): gnomAD 0.00001; gnomAD exomes 0.00001 and 0.00002.

Submission:

Labcorp Genetics (formerly Invitae), Labcorp
Classification: Uncertain significance. Last evaluated: 2021-11-27. Review status: criteria provided, single submitter. Criteria: Invitae Variant Classification Sherloc (09022015). Collection method: clinical testing. Allele origin: germline.
Comment: In summary, the available evidence is currently insufficient to determine the role of this variant in disease. Therefore, it has been classified as a Variant of Uncertain Significance. This variant has not been reported in the literature in individuals affected with PCK1-related conditions. This variant is present in population databases (no rsID available, gnomAD 0.02%). This sequence change creates a premature translational stop signal (p.Asp310Valfs*6) in the PCK1 gene. It is expected to result in an absent or disrupted protein product. However, the current clinical and genetic evidence is not sufficient to establish whether loss-of-function variants in PCK1 cause disease.

NM_002591.4(PCK1):c.929del (p.Asp310fs)

Gene: PCK1 (phosphoenolpyruvate carboxykinase 1; plus strand). Cytogenetic location: 20q13.31.
Variant type: Deletion.
Coding change: c.929del on transcript NM_002591.4 (MANE Select); coding-DNA position 929, one base deleted (A; older notation c.929delA).
Protein change: p.Asp310fs; shifts the reading frame from aspartic acid 310.
Molecular consequence: frameshift variant.
Genome position (GRCh38, 1-based): chr20:57,563,695, A deleted. VCF-style (leftmost placement, unchanged base first): chr20-57563694-GA-G. GRCh37 (hg19) VCF-style: chr20-56138750-GA-G.
Other names: short protein forms D310fs.
Identifiers: ClinVar variation 1510810 (VCV001510810.6), dbSNP rs1341565356, ClinGen allele CA636198155.